The following is an entry in ClinVar:

NM_000440.3(PDE6A):c.1243A>G (p.Met415Val)

Gene: PDE6A (phosphodiesterase 6A; minus strand). Cytogenetic location: 5q32.
Variant type: single nucleotide variant.
Coding change: c.1243A>G on transcript NM_000440.3 (MANE Select); coding-DNA position 1243, A replaced by G.
Protein change: p.Met415Val; replaces methionine 415 with valine.
Molecular consequence: missense variant.
Genome position (GRCh38, 1-based): chr5:149,899,395, T>C on the plus strand (A>G on the coding strand, the complement: PDE6A is on the minus strand). VCF-style: chr5-149899395-T-C. GRCh37 (hg19) VCF-style: chr5-149278958-T-C.
Other names: short protein forms M415V.
Identifiers: ClinVar variation 1463809 (VCV001463809.5), dbSNP rs754379939, ClinGen allele CA3504755.

ClinVar aggregate classification (germline): Uncertain significance (1 of 4 stars; one submission).

Allele frequency attached by ClinVar (database versions not stated): gnomAD exomes below 0.00001 and 0.00001; gnomAD 0.00001; ExAC 0.00002; TOPMed 0.00005.
gnomAD v4.1: 4 of 1,613,990 alleles (0.00025%); highest among the groups gnomAD compares: African/African-American, 0.004%; no homozygotes.

Submission:

Labcorp Genetics (formerly Invitae), Labcorp
Classification: Uncertain significance. Last evaluated: 2022-04-25. Review status: criteria provided, single submitter. Criteria: Invitae Variant Classification Sherloc (09022015). Collection method: clinical testing. Allele origin: germline.
Comment: This sequence change replaces methionine, which is neutral and non-polar, with valine, which is neutral and non-polar, at codon 415 of the PDE6A protein (p.Met415Val). This variant is present in population databases (rs754379939, gnomAD 0.01%). This variant has not been reported in the literature in individuals affected with PDE6A-related conditions. Algorithms developed to predict the effect of missense changes on protein structure and function are either unavailable or do not agree on the potential impact of this missense change (SIFT: "Deleterious"; PolyPhen-2: "Probably Damaging"; Align-GVGD: "Class C0"). In summary, the available evidence is currently insufficient to determine the role of this variant in disease. Therefore, it has been classified as a Variant of Uncertain Significance.